The following is an entry in ClinVar:

ClinVar aggregate classification (germline): Uncertain significance. Review status: criteria provided, multiple submitters, no conflicts (2 of 4 stars). 2 submissions from 2 submitters: Uncertain significance (2). Last evaluated 2026-03-14.

Conditions:
Marshall syndrome (MRSHS). Identifiers: Orphanet 560, MedGen C0265235, MONDO:0007949, OMIM 154780.
Stickler syndrome type 2 (STL2). Also called: STICKLER SYNDROME, TYPE II; STICKLER SYNDROME, BEADED VITREOUS TYPE; STICKLER SYNDROME, VITREOUS TYPE 2; COL11A1-Related Stickler Syndrome. Identifiers: Orphanet 828, Orphanet 90654, MedGen C1858084, MONDO:0011493, OMIM 604841.
Hearing loss, autosomal dominant 37. Also called: DEAFNESS, AUTOSOMAL DOMINANT 37. Identifiers: MedGen C4760307, MONDO:0032802, OMIM 618533.
Intervertebral disc disorder (IDD). Also called: INTERVERTEBRAL DISC DISEASE; Lumbar disk degenerative disorder. Identifiers: MedGen C0158252, MONDO:0044339, OMIM 603932.
Fibrochondrogenesis 1 (FBCG1). Identifiers: Orphanet 2021, MedGen C3278138, MONDO:0009226, OMIM 228520.

Submissions (2):

Dasa
Classification: Uncertain significance. Last evaluated: 2026-03-14. Review status: criteria provided, single submitter. Criteria: DASA Assertion Criteria. Collection method: clinical testing. Allele origin: germline.
Comment: NM_001854.4(COL11A1):c.2486G>A (p.Gly829Asp) is a missense variant that results in the substitution of glycine with aspartic acid. The affected residue or protein region has prior evidence supporting clinical relevance. Segregation evidence has been reported in affected families. Multiple computational predictions support a deleterious effect on the gene or gene product. The variant is present at low frequency in population datasets. Based on the available data, this variant is classified as variant of uncertain significance.

Juno Genomics, Hangzhou Juno Genomics, Inc
Classification: Uncertain significance for Intervertebral disc disorder; Hearing loss, autosomal dominant 37; Fibrochondrogenesis 1; Marshall syndrome; Stickler syndrome type 2. Review status: criteria provided, single submitter. Criteria: ACMG Guidelines, 2015. Collection method: clinical testing. Allele origin: germline.
Comment: Absent from controls (or at extremely low frequency if recessive) in Genome Aggregation Database.;Multiple lines of computational evidence support a deleterious effect on the gene or gene product.

NM_001854.4(COL11A1):c.2486G>A (p.Gly829Asp)

Gene: COL11A1 (collagen type XI alpha 1 chain; minus strand). Cytogenetic location: 1p21.1.
Variant type: single nucleotide variant.
Coding change: c.2486G>A on transcript NM_001854.4 (MANE Select); coding-DNA position 2486, G replaced by A.
Protein change: p.Gly829Asp; replaces glycine 829 with aspartic acid.
Molecular consequence: missense variant. On other transcripts: non-coding transcript variant (1).
Genome position (GRCh38, 1-based): chr1:102,987,649, C>T on the plus strand (G>A on the coding strand, the complement: COL11A1 is on the minus strand). VCF-style: chr1-102987649-C-T. GRCh37 (hg19) VCF-style: chr1-103453205-C-T.
Other names: c.2369G>A, p.Gly790Asp (NM_001190709.2); c.2522G>A, p.Gly841Asp (NM_080629.3); c.2138G>A, p.Gly713Asp (NM_080630.4); short protein forms G713D, G790D, G829D, G841D.
Identifiers: ClinVar variation 4851896 (VCV004851896.3).